The following is an entry in ClinVar:

ClinVar aggregate classification (germline): Uncertain significance. Review status: criteria provided, multiple submitters, no conflicts (2 of 4 stars). 2 submissions from 2 submitters: Uncertain significance (2). Last evaluated 2024-01-16.

Conditions:
Neuropathy, hereditary sensory and autonomic, type 2A (HSAN2A). Also called: ACROOSTEOLYSIS, GIACCAI TYPE; ACROOSTEOLYSIS, NEUROGENIC; MORVAN DISEASE; NEUROPATHY, CONGENITAL SENSORY; NEUROPATHY, HEREDITARY SENSORY RADICULAR, AUTOSOMAL RECESSIVE; NEUROPATHY, HEREDITARY SENSORY, TYPE IIA. Identifiers: Orphanet 970, MedGen C2752089, MONDO:0024309, OMIM 201300.
Pseudohypoaldosteronism type 2C (PHA2C). Also called: Pseudohypoaldosteronism Type IIC. Identifiers: Orphanet 757, Orphanet 88940, MedGen C1840391, MONDO:0013778, OMIM 614492.

Allele frequency attached by ClinVar (database versions not stated): gnomAD exomes below 0.00001; TOPMed below 0.00001.
gnomAD v4.1: 1 of 1,613,630 alleles (0.000062%); highest among the groups gnomAD compares: Non-Finnish European, 0.000085%; no homozygotes.

Submissions (2):

Fulgent Genetics
Classification: Uncertain significance for Neuropathy, hereditary sensory and autonomic, type 2A; Pseudohypoaldosteronism type 2C. Last evaluated: 2024-01-16. Review status: criteria provided, single submitter. Criteria: ACMG Guidelines, 2015. Collection method: clinical testing. Allele origin: germline.

Labcorp Genetics (formerly Invitae), Labcorp
Classification: Uncertain significance for Neuropathy, hereditary sensory and autonomic, type 2A; Pseudohypoaldosteronism type 2C. Last evaluated: 2023-06-24. Review status: criteria provided, single submitter. Criteria: Invitae Variant Classification Sherloc (09022015). Collection method: clinical testing. Allele origin: germline.
Comment: In summary, the available evidence is currently insufficient to determine the role of this variant in disease. Therefore, it has been classified as a Variant of Uncertain Significance. Advanced modeling of protein sequence and biophysical properties (such as structural, functional, and spatial information, amino acid conservation, physicochemical variation, residue mobility, and thermodynamic stability) performed at Invitae indicates that this missense variant is not expected to disrupt WNK1 protein function. This variant has not been reported in the literature in individuals affected with WNK1-related conditions. This variant is not present in population databases (gnomAD no frequency). This sequence change replaces aspartic acid, which is acidic and polar, with asparagine, which is neutral and polar, at codon 494 of the WNK1 protein (p.Asp494Asn).

NM_018979.4(WNK1):c.1480G>A (p.Asp494Asn)

Gene: WNK1 (WNK lysine deficient protein kinase 1; plus strand). Cytogenetic location: 12p13.33.
Variant type: single nucleotide variant.
Coding change: c.1480G>A on transcript NM_018979.4 (MANE Select); coding-DNA position 1480, G replaced by A.
Protein change: p.Asp494Asn; replaces aspartic acid 494 with asparagine.
Molecular consequence: missense variant.
Genome position (GRCh38, 1-based): chr12:859,324, G>A. VCF-style: chr12-859324-G-A. GRCh37 (hg19) VCF-style: chr12-968490-G-A.
Other names: c.1480G>A, p.Asp494Asn (NM_001184985.2, NM_014823.3, NM_213655.5); short protein forms D494N.
Identifiers: ClinVar variation 2935368 (VCV002935368.4), dbSNP rs1951017509, ClinGen allele CA383333898.